The following is an entry in ClinVar:

ClinVar aggregate classification (germline): Uncertain significance (1 of 4 stars; one submission).

Submission:

Geisinger Autism and Developmental Medicine Institute, Geisinger Health System
Classification: Uncertain significance. Last evaluated: 2017-08-21. Review status: criteria provided, single submitter. Criteria: ACMG CNV Guidelines, 2011. Collection method: provider interpretation. Allele origin: maternal.
Comment: This 924 kilobase duplication includes portions of the NKAIN2 and TRDN genes. TRDN is associated with autosomal recessive catecholaminergic polymorphic ventricular tachycardia-5 with or without muscle weakness. NKAIN2 is not currently associated with any known disorders. Disruption of NKAIN2 due to de novo rearrangements have been reported in two patients previously (Yue et al. 2006; Bocciardi et al. 2005). One individual with disruption at exon 4 had a clinical history of a congenital heart defect, macrocephaly, undescended testes, recurrent infections, and developmental delays (Yue et al. 2006). The second individual's translocation disrupted the gene in intron 4 had a history of neurologic abnormalities including including epileptic encephalopathy with spastic tetraparesis and severe psychomotor retardation associated with cerebral atrophy with involvement of the periventricular white matter (Bocciardi et al. 2005). Similar, overlapping duplications have been reported in several individuals in DECIPHER including in an individual with cognitive impairment (Case: 300577) and an individual with short stature (Case:331671). Overlapping variants have also been submitted to dbVar/ClinVar previously (nssv582678; nsv2777188; nsv534388) and reported in developmental delay cohorts as well as in controls (nsv1022195; nsv1018599). A similar duplication has been reported in the literature in an individual with facial dysmorphism, severe developmental delay, complex neurological impairment and spasticity (Sheth et al. 2015). Given that similar duplications have been reported in individuals with neurodevelopmental concerns as well as in control populations and unaffected parents, the clinical significance of this variant is unclear.

Literature cited by the submitters: PubMed 16145689; PubMed 15908570; PubMed 25637059.

Single allele

Genes: NKAIN2 (sodium/potassium transporting ATPase interacting 2; plus strand), TRDN (triadin; minus strand). Cytogenetic location: 6q22.31.
Variant type: Duplication.
Identifiers: ClinVar variation 560093 (VCV000560093.3).